The following is an entry in ClinVar:

NM_001365276.2(TNXB):c.1165A>G (p.Ile389Val)

Gene: TNXB (tenascin XB; minus strand). Cytogenetic location: 6p21.33.
Variant type: single nucleotide variant.
Coding change: c.1165A>G on transcript NM_001365276.2 (MANE Select); coding-DNA position 1165, A replaced by G.
Protein change: p.Ile389Val; replaces isoleucine 389 with valine.
Molecular consequence: missense variant.
Genome position (GRCh38, 1-based): chr6:32,096,688, T>C on the plus strand (A>G on the coding strand, the complement: TNXB is on the minus strand). VCF-style: chr6-32096688-T-C. GRCh37 (hg19) VCF-style: chr6-32064465-T-C.
Other names: c.1165A>G, p.Ile389Val (NM_001428335.1, NM_019105.8); short protein forms I389V.
Identifiers: ClinVar variation 4842870 (VCV004842870.1).

ClinVar aggregate classification (germline): Uncertain significance (1 of 4 stars; one submission).

Conditions:
Cardiovascular phenotype. Identifiers: MedGen CN230736.

gnomAD v4.1: 1 of 1,513,192 alleles (0.000066%); highest among the groups gnomAD compares: Non-Finnish European, 0.000088%; no homozygotes.

Submission:

Ambry Genetics
Classification: Uncertain significance for Cardiovascular phenotype. Last evaluated: 2025-12-26. Review status: criteria provided, single submitter. Criteria: Ambry Variant Classification Scheme 2023. Collection method: clinical testing. Allele origin: germline.
Comment: The p.I389V variant (also known as c.1165A>G), located in coding exon 2 of the TNXB gene, results from an A to G substitution at nucleotide position 1165. The isoleucine at codon 389 is replaced by valine, an amino acid with highly similar properties. This amino acid position is conserved. In addition, this alteration is predicted to be tolerated by in silico analysis. Based on the available evidence, the clinical significance of this variant remains unclear.